The following is an entry in ClinVar:

ClinVar aggregate classification (germline): Uncertain significance. Review status: criteria provided, multiple submitters, no conflicts (2 of 4 stars). 2 submissions from 2 submitters: Uncertain significance (2). Last evaluated 2025-11-23.

Conditions:
Inborn genetic diseases. Identifiers: MedGen C0950123, MeSH D030342.

gnomAD v4.1: 6 of 1,557,498 alleles (0.00039%); highest among the groups gnomAD compares: African/African-American, 0.0069%; no homozygotes.

Submissions (2):

Ambry Genetics
Classification: Uncertain significance for Inborn genetic diseases. Last evaluated: 2025-11-23. Review status: criteria provided, single submitter. Criteria: Ambry Variant Classification Scheme 2023. Collection method: clinical testing. Allele origin: germline.
Comment: The p.H872N variant (also known as c.2614C>A), located in coding exon 14 of the FANCM gene, results from a C to A substitution at nucleotide position 2614. The histidine at codon 872 is replaced by asparagine, an amino acid with similar properties. This amino acid position is conserved. In addition, this alteration is predicted to be tolerated by in silico analysis. Based on the available evidence, the clinical significance of this variant remains unclear.

GeneDx
Classification: Uncertain significance. Last evaluated: 2024-10-07. Review status: criteria provided, single submitter. Criteria: GeneDx Variant Classification Process June 2021. Collection method: clinical testing. Allele origin: germline. Affected: yes.
Comment: Not observed at significant frequency in large population cohorts (gnomAD); In silico analysis indicates that this missense variant does not alter protein structure/function; Has not been previously published as pathogenic or benign to our knowledge

NM_020937.4(FANCM):c.2614C>A (p.His872Asn)

Gene: FANCM (FA complementation group M; plus strand). Cytogenetic location: 14q21.2.
Variant type: single nucleotide variant.
Coding change: c.2614C>A on transcript NM_020937.4 (MANE Select); coding-DNA position 2614, C replaced by A.
Protein change: p.His872Asn; replaces histidine 872 with asparagine.
Molecular consequence: missense variant.
Genome position (GRCh38, 1-based): chr14:45,175,368, C>A. VCF-style: chr14-45175368-C-A. GRCh37 (hg19) VCF-style: chr14-45644571-C-A.
Other names: c.2536C>A, p.His846Asn (NM_001308133.2); short protein forms H846N, H872N.
Identifiers: ClinVar variation 3776733 (VCV003776733.2).